The following is an entry in ClinVar:

NM_032447.5(FBN3):c.311C>T (p.Ala104Val)

Gene: FBN3 (fibrillin 3; minus strand). Cytogenetic location: 19p13.2.
Variant type: single nucleotide variant.
Coding change: c.311C>T on transcript NM_032447.5 (MANE Select); coding-DNA position 311, C replaced by T.
Protein change: p.Ala104Val; replaces alanine 104 with valine.
Molecular consequence: missense variant.
Genome position (GRCh38, 1-based): chr19:8,146,165, G>A on the plus strand (C>T on the coding strand, the complement: FBN3 is on the minus strand). VCF-style: chr19-8146165-G-A. GRCh37 (hg19) VCF-style: chr19-8211049-G-A.
Other names: c.311C>T, p.Ala104Val (NM_001321431.2); short protein forms A104V.
Identifiers: ClinVar variation 3705999 (VCV003705999.2).

ClinVar aggregate classification (germline): Uncertain significance (1 of 4 stars; one submission).

gnomAD v4.1: 48 of 1,602,416 alleles (0.003%); highest among the groups gnomAD compares: Admixed American, 0.048%; no homozygotes.

Submission:

Labcorp Genetics (formerly Invitae), Labcorp
Classification: Uncertain significance. Last evaluated: 2024-04-06. Review status: criteria provided, single submitter. Criteria: Invitae Variant Classification Sherloc (09022015). Collection method: clinical testing. Allele origin: germline.
Comment: This sequence change replaces alanine, which is neutral and non-polar, with valine, which is neutral and non-polar, at codon 104 of the FBN3 protein (p.Ala104Val). This variant is present in population databases (rs758566291, gnomAD 0.05%). This variant has not been reported in the literature in individuals affected with FBN3-related conditions. An algorithm developed to predict the effect of missense changes on protein structure and function (PolyPhen-2) suggests that this variant is likely to be tolerated. In summary, the available evidence is currently insufficient to determine the role of this variant in disease. Therefore, it has been classified as a Variant of Uncertain Significance.